The following is an entry in ClinVar:

ClinVar aggregate classification (germline): Uncertain significance (1 of 4 stars; one submission).

Conditions:
Intellectual developmental disorder, X-linked 104. Also called: Intellectual disability, X-linked 104. Identifiers: MedGen C4310817, MONDO:0010509, OMIM 300983.

Submission:

Laboratorio de Genetica e Diagnostico Molecular, Hospital Israelita Albert Einstein
Classification: Uncertain significance for Intellectual developmental disorder, X-linked 104. Last evaluated: 2023-01-06. Review status: criteria provided, single submitter. Criteria: ACMG Guidelines, 2015. Collection method: clinical testing. Allele origin: germline. Affected: yes. Observed: 1 variant allele.
Comment: ACMG classification criteria: PM2 moderated, BP4 supporting

NM_001368397.1(FRMPD4):c.3596T>C (p.Met1199Thr)

Gene: FRMPD4 (FERM and PDZ domain containing 4; plus strand). Cytogenetic location: Xp22.2.
Variant type: single nucleotide variant.
Coding change: c.3596T>C on transcript NM_001368397.1 (MANE Select); coding-DNA position 3596, T replaced by C.
Protein change: p.Met1199Thr; replaces methionine 1199 with threonine.
Molecular consequence: missense variant.
Genome position (GRCh38, 1-based): chrX:12,718,422, T>C. VCF-style: chrX-12718422-T-C. GRCh37 (hg19) VCF-style: chrX-12736541-T-C.
Other names: c.3707T>C, p.Met1236Thr (NM_001368395.3, NM_001368398.3); c.3602T>C, p.Met1201Thr (NM_001368396.3); c.3587T>C, p.Met1196Thr (NM_001368399.3); c.3476T>C, p.Met1159Thr (NM_001368400.3); c.3572T>C, p.Met1191Thr (NM_001368401.1, NM_001368402.3); c.3596T>C, p.Met1199Thr (NM_014728.3); short protein forms M1159T, M1191T, M1196T, M1199T, M1201T, M1236T.
Identifiers: ClinVar variation 2431921 (VCV002431921.1), dbSNP rs2519867550, ClinGen allele CA412321253.